The following is an entry in ClinVar:

ClinVar aggregate classification (germline): Likely benign (0 of 4 stars; one submission).

Conditions:
CABIN1-related disorder. Also called: CABIN1-related condition.

Allele frequency attached by ClinVar (database versions not stated): TOPMed 0.00003; gnomAD exomes 0.00005; ExAC 0.00007; gnomAD 0.00008.
gnomAD v4.1: 87 of 1,613,226 alleles (0.0054%); highest among the groups gnomAD compares: Admixed American, 0.05%; no homozygotes.

Submission:

PreventionGenetics, part of Exact Sciences
Classification: Likely benign for CABIN1-related condition. Last evaluated: 2019-04-09. Review status: no assertion criteria provided. Collection method: clinical testing. Allele origin: germline.
Comment: This variant is classified as likely benign based on ACMG/AMP sequence variant interpretation guidelines (Richards et al. 2015 PMID: 25741868, with internal and published modifications).

NM_012295.4(CABIN1):c.6645C>T (p.Asp2215=)

Gene: CABIN1 (calcineurin binding protein 1; plus strand). Cytogenetic location: 22q11.23.
Variant type: single nucleotide variant.
Coding change: c.6645C>T on transcript NM_012295.4 (MANE Select); coding-DNA position 6645, C replaced by T.
Protein change: p.Asp2215=; no amino-acid change (aspartic acid 2215 retained).
Molecular consequence: synonymous variant.
Genome position (GRCh38, 1-based): chr22:24,178,178, C>T. VCF-style: chr22-24178178-C-T. GRCh37 (hg19) VCF-style: chr22-24574146-C-T.
Other names: c.6645C>T, p.Asp2215= (NM_001199281.1); c.6495C>T, p.Asp2165= (NM_001201429.2).
Identifiers: ClinVar variation 3041104 (VCV003041104.2), dbSNP rs746583397, ClinGen allele CA10150096.